The following is an entry in ClinVar:

NM_005591.4(MRE11):c.1675G>A (p.Asp559Asn)

Gene: MRE11 (MRE11 double strand break repair nuclease; minus strand). Cytogenetic location: 11q21.
Variant type: single nucleotide variant.
Coding change: c.1675G>A on transcript NM_005591.4 (MANE Select); coding-DNA position 1675, G replaced by A.
Protein change: p.Asp559Asn; replaces aspartic acid 559 with asparagine.
Molecular consequence: missense variant.
Genome position (GRCh38, 1-based): chr11:94,447,327, C>T on the plus strand (G>A on the coding strand, the complement: MRE11 is on the minus strand). VCF-style: chr11-94447327-C-T. GRCh37 (hg19) VCF-style: chr11-94180493-C-T.
Other names: c.1675G>A, p.Asp559Asn (NM_001330347.2, NM_005590.4); short protein forms D559N.
Identifiers: ClinVar variation 3224836 (VCV003224836.1), dbSNP rs1444076984, ClinGen allele CA382368376.
Genomic context (GRCh38, chr11:94,447,327, plus strand): 5'-CACCTCTTCGACCTCTTCCTCGGCCTCTTCCTTTGTTGGTTGCTGCTGAGATGCTATCAT[C>T]AGAGTCATTAGCCATCTGTTCTGCTAAATCTATACTCATAAGGTCATCAGCACTAAAGGC-3'
Protein context (NP_005582.1, residues 549-569): DLAEQMANDS[Asp559Asn]DSISAATNKG

ClinVar aggregate classification (germline): Uncertain significance (1 of 4 stars; one submission).

Conditions:
Hereditary cancer-predisposing syndrome. Also called: Tumor predisposition; Hereditary neoplastic syndrome; Hereditary Cancer Syndrome; Neoplastic Syndromes, Hereditary. Identifiers: Orphanet 140162, MedGen C0027672, MeSH D009386, MONDO:0015356.

Allele frequency attached by ClinVar (database versions not stated): TOPMed below 0.00001; gnomAD 0.00001.
gnomAD v4.1: 3 of 1,613,982 alleles (0.00019%); highest among the groups gnomAD compares: Non-Finnish European, 0.00017%; no homozygotes.

Submission:

Ambry Genetics
Classification: Uncertain significance for Hereditary cancer-predisposing syndrome. Last evaluated: 2023-12-26. Review status: criteria provided, single submitter. Criteria: Ambry Variant Classification Scheme 2023. Collection method: clinical testing. Allele origin: germline.
Comment: The p.D559N variant (also known as c.1675G>A), located in coding exon 14 of the MRE11A gene, results from a G to A substitution at nucleotide position 1675. The aspartic acid at codon 559 is replaced by asparagine, an amino acid with highly similar properties. This amino acid position is conserved. In addition, this alteration is predicted to be tolerated by in silico analysis. Since supporting evidence is limited at this time, the clinical significance of this alteration remains unclear.